The following is an entry in ClinVar:

ClinVar aggregate classification (germline): Uncertain significance (1 of 4 stars; one submission).

Allele frequency attached by ClinVar (database versions not stated): gnomAD exomes below 0.00001; gnomAD 0.00001; TOPMed 0.00001.
gnomAD v4.1: 2 of 1,598,358 alleles (0.00013%); highest among the groups gnomAD compares: Admixed American, 0.0017%; no homozygotes.

Submission:

Labcorp Genetics (formerly Invitae), Labcorp
Classification: Uncertain significance. Last evaluated: 2024-02-23. Review status: criteria provided, single submitter. Criteria: Invitae Variant Classification Sherloc (09022015). Collection method: clinical testing. Allele origin: germline.
Comment: This sequence change replaces valine, which is neutral and non-polar, with methionine, which is neutral and non-polar, at codon 395 of the SZT2 protein (p.Val395Met). This variant is present in population databases (no rsID available, gnomAD 0.001%). This variant has not been reported in the literature in individuals affected with SZT2-related conditions. ClinVar contains an entry for this variant (Variation ID: 1499741). Advanced modeling of protein sequence and biophysical properties (such as structural, functional, and spatial information, amino acid conservation, physicochemical variation, residue mobility, and thermodynamic stability) performed at Invitae indicates that this missense variant is not expected to disrupt SZT2 protein function with a negative predictive value of 80%. In summary, the available evidence is currently insufficient to determine the role of this variant in disease. Therefore, it has been classified as a Variant of Uncertain Significance.

NM_001365999.1(SZT2):c.1183G>A (p.Val395Met)

Gene: SZT2 (SZT2 subunit of KICSTOR complex; plus strand). Cytogenetic location: 1p34.2.
Variant type: single nucleotide variant.
Coding change: c.1183G>A on transcript NM_001365999.1 (MANE Select); coding-DNA position 1183, G replaced by A.
Protein change: p.Val395Met; replaces valine 395 with methionine.
Molecular consequence: missense variant.
Genome position (GRCh38, 1-based): chr1:43,420,245, G>A. VCF-style: chr1-43420245-G-A. GRCh37 (hg19) VCF-style: chr1-43885916-G-A.
Other names: c.1183G>A, p.Val395Met (NM_015284.4); short protein forms V395M.
Identifiers: ClinVar variation 1499741 (VCV001499741.6), dbSNP rs1314170062, ClinGen allele CA340006776.